The following is an entry in ClinVar:

ClinVar aggregate classification (germline): Uncertain significance (1 of 4 stars; one submission).

Submission:

Labcorp Genetics (formerly Invitae), Labcorp
Classification: Uncertain significance. Last evaluated: 2024-08-14. Review status: criteria provided, single submitter. Criteria: Invitae Variant Classification Sherloc (09022015). Collection method: clinical testing. Allele origin: germline.
Comment: This variant, c.2593_2598dup, results in the insertion of 2 amino acid(s) of the AP3D1 protein (p.Glu865_Lys866dup), but otherwise preserves the integrity of the reading frame. This variant is not present in population databases (gnomAD no frequency). This variant has not been reported in the literature in individuals affected with AP3D1-related conditions. In summary, the available evidence is currently insufficient to determine the role of this variant in disease. Therefore, it has been classified as a Variant of Uncertain Significance.

NM_001261826.3(AP3D1):c.2587GAGAAG[3] (p.Lys866_Lys867insGluLys)

Gene: AP3D1 (adaptor related protein complex 3 subunit delta 1; minus strand). Cytogenetic location: 19p13.3.
Variant type: Microsatellite.
Coding change: c.2587GAGAAG[3] on transcript NM_001261826.3 (MANE Select); three copies in a row of the 6-base unit GAGAAG starting at c.2587; the reference has two copies in a row; one copy, 6 bases duplicated.
Protein change: p.Lys866_Lys867insGluLys.
Molecular consequence: inframe insertion.
Genome position (GRCh38, 1-based): chr19:2,114,128-2,114,133, CTTCTC duplicated on the plus strand (GAGAAG on the coding strand, the reverse complement: AP3D1 is on the minus strand); duplicating any 6 consecutive bases within chr19:2,114,128-2,114,144 gives the same sequence; the position shown is the placement nearest the transcript's 3' end. VCF-style (leftmost placement, unchanged base first): chr19-2114127-T-TCTTCTC. GRCh37 (hg19) VCF-style: chr19-2114126-T-TCTTCTC.
Other names: c.2587GAGAAG[3], p.Lys866_Lys867insGluLys (NM_001374799.1, NM_003938.8).
Identifiers: ClinVar variation 3607408 (VCV003607408.2).
Genomic context (GRCh38, chr19:2,114,127, plus strand): 5'-GGAGTTCACGGCAAGGGAGGGGAATGGAGAAGGCCGCCGCCCTGGGCACTAGCCTTACCT[T>TCTTCTC]CTTCTCCTTCTCCTTCTTCTTCTCCTTGTCTCTCTCTTTCTCTTTGTGTTTTTTCTCTTT-3'